The following is an entry in ClinVar:

ClinVar aggregate classification (germline): Uncertain significance (1 of 4 stars; one submission).

Submission:

Women's Health and Genetics/Laboratory Corporation of America, LabCorp
Classification: Uncertain significance. Last evaluated: 2025-12-10. Review status: criteria provided, single submitter. Criteria: LabCorp Variant Classification Summary - May 2015. Collection method: clinical testing. Allele origin: germline.
Comment: Variant summary: ABCA4 c.839T>G (p.Met280Arg) results in a non-conservative amino acid change in the encoded protein sequence. Algorithms developed to predict the effect of missense changes on protein structure and function are either unavailable or do not agree on the potential impact of this missense change. The variant was absent in 251150 control chromosomes. The available data on variant occurrences in the general population are insufficient to allow any conclusion about variant significance. To our knowledge, no occurrence of c.839T>G in individuals affected with ABCA4-related conditions and no experimental evidence demonstrating its impact on protein function have been reported. No submitters have cited clinical-significance assessments for this variant to ClinVar. Based on the evidence outlined above, the variant was classified as uncertain significance.

NM_000350.3(ABCA4):c.839T>G (p.Met280Arg)

Gene: ABCA4 (ATP binding cassette subfamily A member 4; minus strand). Cytogenetic location: 1p22.1.
Variant type: single nucleotide variant.
Coding change: c.839T>G on transcript NM_000350.3 (MANE Select); coding-DNA position 839, T replaced by G.
Protein change: p.Met280Arg; replaces methionine 280 with arginine.
Molecular consequence: missense variant.
Genome position (GRCh38, 1-based): chr1:94,083,371, A>C on the plus strand (T>G on the coding strand, the complement: ABCA4 is on the minus strand). VCF-style: chr1-94083371-A-C. GRCh37 (hg19) VCF-style: chr1-94548927-A-C.
Other names: c.839T>G, p.Met280Arg (NM_001425324.1); short protein forms M280R.
Identifiers: ClinVar variation 4688422 (VCV004688422.1).